The following is an entry in ClinVar:

ClinVar aggregate classification (germline): Pathogenic. Review status: criteria provided, multiple submitters, no conflicts (2 of 4 stars). 7 submissions from 7 submitters: Pathogenic (5). 2 of the submissions do not count toward it. Last evaluated 2025-07-21.

Conditions:
Cardiovascular phenotype. Identifiers: MedGen CN230736.
Hypertrophic cardiomyopathy 4. Also called: Familial hypertrophic cardiomyopathy 4. Identifiers: MedGen C1861862, MONDO:0007268, OMIM 115197.
Hypertrophic cardiomyopathy. Also called: HYPERTROPHIC MYOCARDIOPATHY. Identifiers: Orphanet 217569, MedGen C0007194, MeSH D002312, MONDO:0005045, HP:0001639.

Submissions (7):

Labcorp Genetics (formerly Invitae), Labcorp
Classification: Pathogenic for Hypertrophic cardiomyopathy. Last evaluated: 2025-07-21. Review status: criteria provided, single submitter. Criteria: Invitae Variant Classification Sherloc (09022015). Collection method: clinical testing. Allele origin: germline.
Comment: This sequence change creates a premature translational stop signal (p.Gln205*) in the MYBPC3 gene. It is expected to result in an absent or disrupted protein product. Loss-of-function variants in MYBPC3 are known to be pathogenic (PMID: 19574547). This variant is not present in population databases (gnomAD no frequency). This premature translational stop signal has been observed in individual(s) with hypertrophic cardiomyopathy (PMID: 25611685, 30165862). ClinVar contains an entry for this variant (Variation ID: 42774). For these reasons, this variant has been classified as Pathogenic.

Ambry Genetics
Classification: Pathogenic for Cardiovascular phenotype. Last evaluated: 2023-06-02. Review status: criteria provided, single submitter. Criteria: Ambry General Variant Classification Scheme_2022. Collection method: clinical testing. Allele origin: germline.
Comment: The p.Q205* variant (also known as c.613C>T), located in coding exon 5 of the MYBPC3 gene, results from a C to T substitution at nucleotide position 613. This changes the amino acid from a glutamine to a stop codon within coding exon 5. This mutation has been reported in multiple hypertrophic cardiomyopathy (HCM) cohorts, although clinical details were limited (Lopes LR et al. Heart, 2015 Feb;101:294-301; Alfares AA et al. Genet. Med., 2015 Nov;17:880-8; Walsh R et al. Genet. Med., 2017 02;19:192-203; Ingles J et al. Circ Cardiovasc Genet, 2017 Apr;10; Ross SB et al. Circ Cardiovasc Genet, 2017 Jun;10; Lu C et al. J Transl Med, 2018 08;16:241). This variant is considered to be rare based on population cohorts in the Genome Aggregation Database (gnomAD). In addition to the clinical data presented in the literature, this alteration is expected to result in loss of function by premature protein truncation or nonsense-mediated mRNA decay. As such, this alteration is interpreted as a disease-causing mutation.

GeneDx
Classification: Pathogenic. Last evaluated: 2022-08-01. Review status: criteria provided, single submitter. Criteria: GeneDx Variant Classification Process June 2021. Collection method: clinical testing. Allele origin: germline. Affected: yes.
Comment: Not observed at significant frequency in large population cohorts (gnomAD); Nonsense variant predicted to result in protein truncation or nonsense mediated decay in a gene for which loss of function is a known mechanism of disease; This variant is associated with the following publications: (PMID: 28408708, 27532257, 25611685, 25351510, 31424582, 30681346, 28569743, 30165862)

Victorian Clinical Genetics Services, Murdoch Childrens Research Institute
Classification: Pathogenic for Hypertrophic cardiomyopathy 4. Last evaluated: 2022-06-24. Review status: criteria provided, single submitter. Criteria: ACMG Guidelines, 2015. Collection method: clinical testing. Allele origin: germline.
Comment: Based on the classification scheme VCGS_Germline_v1.3.4, this variant is classified as Pathogenic. Following criteria are met: 0102 - Loss of function is a known mechanism of disease in this gene and is associated with hypertrophic cardiomyopathy 4 (HCM; MIM#115197). (I) 0108 - This gene is associated with both recessive and dominant disease. Dominant inheritance is frequently reported in adult onset conditions, however recessive inheritance results in a more severe early onset phenotype (OMIM). (I) 0115 - Variants in this gene are known to have variable expressivity (PMID: 32841044). (I) 0201 - Variant is predicted to cause nonsense-mediated decay (NMD) and loss of protein (premature termination codon is located at least 54 nucleotides upstream of the final exon-exon junction). (SP) 0251 - This variant is heterozygous. (I) 0301 - Variant is absent from gnomAD (both v2 and v3). (SP) 0701 - Other NMD-predicted variants comparable to the one identified in this case have very strong previous evidence for pathogenicity. Variants predicted to result in NMD are well-reported in individuals with HCM (ClinVar, PMID: 28771489). (SP) 0801 - This variant has strong previous evidence of pathogenicity in unrelated individuals. This variant has been reported in multiple individuals with HCM in ClinVar and the literature (PMID: 25351510, 30165862, 31424582). (SP) 1208 - Inheritance information for this variant is not currently available in this individual. (I) Legend: (SP) - Supporting pathogenic, (I) - Information, (SB) - Supporting benign

Laboratory for Molecular Medicine, Mass General Brigham Personalized Medicine
Classification: Pathogenic for Hypertrophic cardiomyopathy. Last evaluated: 2019-03-07. Review status: criteria provided, single submitter. Criteria: LMM Criteria. Collection method: clinical testing. Allele origin: germline. Inheritance: Autosomal dominant inheritance. Observed: 1 variant allele.
Comment: The p.Gln205X variant in MYBPC3 has been identified in 1 individual with HCM (Alfares 2015) and 1 individual with HCM and ventricular tachycardia (Lu 2018). It was absent from large population studies. This variant has been reported in ClinVar (Variation ID:42774). This nonsense variant leads to a premature termination codon at position 205, which is predicted to lead to a truncated or absent protein. Loss of function of the MYBPC3 gene is an established disease mechanism in autosomal dominant hypertrophic cardiomyopathy. In summary, this variant meets criteria to be classified as pathogenic for HCM in an autosomal dominant manner based upon its predicted loss of function impact, identification in affected individuals and absence from controls. ACMG/AMP Criteria applied: PVS1; PM2.

Agnes Ginges Centre for Molecular Cardiology, Centenary Institute
Classification: Pathogenic for Hypertrophic cardiomyopathy. Last evaluated: 2019-12-10. Review status: no assertion criteria provided. Collection method: research. Allele origin: germline. Inheritance: Autosomal dominant inheritance. Affected: yes. Not counted in ClinVar's aggregate classification.
Comment: The MYBPC3 Gln205Ter variant has been reported in 2 HCM probands. It is absent from the Genome Aggregation Database. Computational tools CADD and MutationTaster indicate a likely deleterious role. Based on the adapted ACMG guidelines (Kelly MA, et al., 2018) this variant results in loss of function of MYBPC3 (PVS1), has been reported in >2 HCM proband (PS4_supporting) and is rare in the general population (PM2), therefore we classify MYBPC3 Gln205Ter as "pathogenic".

Zaffran Lab, Genetics of Cardiac Diseases Laboratory, Marseille Medical Genetics
Classification: Pathogenic for hypertrophic cardiomyopathy. Review status: no assertion criteria provided. Collection method: research. Allele origin: unknown. Affected: yes. Not counted in ClinVar's aggregate classification.

Literature cited by the submitters: PubMed 19574547 (cited by Labcorp Genetics (formerly Invitae), Labcorp); PubMed 25611685 (cited by 4 submitters); PubMed 30165862 (cited by 5 submitters); PubMed 25351510 (cited by Ambry Genetics and Victorian Clinical Genetics Services, Murdoch Childrens Research Institute); PubMed 27532257 (cited by Ambry Genetics and Agnes Ginges Centre for Molecular Cardiology, Centenary Institute); PubMed 28408708 (cited by Ambry Genetics and Agnes Ginges Centre for Molecular Cardiology, Centenary Institute); PubMed 28615295 (cited by Ambry Genetics); PubMed 28771489 (cited by Victorian Clinical Genetics Services, Murdoch Childrens Research Institute); PubMed 31424582 (cited by Victorian Clinical Genetics Services, Murdoch Childrens Research Institute); PubMed 32841044 (cited by Victorian Clinical Genetics Services, Murdoch Childrens Research Institute).

NM_000256.3(MYBPC3):c.613C>T (p.Gln205Ter)

Gene: MYBPC3 (myosin binding protein C3; minus strand). Cytogenetic location: 11p11.2.
Variant type: single nucleotide variant.
Coding change: c.613C>T on transcript NM_000256.3 (MANE Select); coding-DNA position 613, C replaced by T.
Protein change: p.Gln205Ter; replaces glutamine 205 with a stop codon.
Molecular consequence: nonsense.
Genome position (GRCh38, 1-based): chr11:47,349,815, G>A on the plus strand (C>T on the coding strand, the complement: MYBPC3 is on the minus strand). VCF-style: chr11-47349815-G-A. GRCh37 (hg19) VCF-style: chr11-47371366-G-A.
Other names: p.Q205*:CAG>TAG; short protein forms Q205*.
Identifiers: ClinVar variation 42774 (VCV000042774.18), dbSNP rs397516061, ClinGen allele CA015537.